The following is an entry in ClinVar:

NM_006371.5(CRTAP):c.*2147A>G

Gene: CRTAP (cartilage associated protein; plus strand). Cytogenetic location: 3p22.3.
Variant type: single nucleotide variant.
Coding change: c.*2147A>G on transcript NM_006371.5 (MANE Select); 2147 bases downstream of the stop codon, A replaced by G.
Molecular consequence: 3 prime UTR variant.
Genome position (GRCh38, 1-based): chr3:33,144,595, A>G. VCF-style: chr3-33144595-A-G. GRCh37 (hg19) VCF-style: chr3-33186087-A-G.
Other names: c.*2147A>G (NM_001393363.1, NM_001393364.1, NM_001393365.1).
Identifiers: ClinVar variation 344847 (VCV000344847.6), dbSNP rs4355234, ClinGen allele CA10616177.

ClinVar aggregate classification (germline): Benign. Review status: criteria provided, multiple submitters, no conflicts (2 of 4 stars). 2 submissions from 2 submitters: Benign (2). Last evaluated 2018-01-12.

Conditions:
Osteogenesis imperfecta type 7 (OI7). Also called: OI type 7; OI type VII; OSTEOGENESIS IMPERFECTA, TYPE IIB; Osteogenesis imperfecta type 2B; OI type 2B; Osteogenesis imperfecta, perinatal lethal autosomal recessive. Identifiers: MedGen C1853162, MONDO:0012536, OMIM 610682.

Allele frequency attached by ClinVar (database versions not stated): gnomAD 0.13787 and 0.14443; TOPMed 0.14645; 1000 Genomes Project 30x 0.18004; 1000 Genomes Project 0.18411; gnomAD exomes 0.18561.
gnomAD v4.1: 22,036 of 152,306 alleles (14%); highest among the groups gnomAD compares: East Asian, 27%; 1,815 homozygotes.

Submissions (2):

Illumina Laboratory Services, Illumina
Classification: Benign for Osteogenesis imperfecta type 7. Last evaluated: 2018-01-12. Review status: criteria provided, single submitter. Criteria: ICSL Variant Classification Criteria 13 December 2019. Collection method: clinical testing. Allele origin: germline.
Comment: This variant was observed in the ICSL laboratory as part of a predisposition screen in an ostensibly healthy population. It had not been previously curated by ICSL or reported in the Human Gene Mutation Database (HGMD: prior to June 1st, 2018), and was therefore a candidate for classification through an automated scoring system. Utilizing variant allele frequency, disease prevalence and penetrance estimates, and inheritance mode, an automated score was calculated to assess if this variant is too frequent to cause the disease. Based on the score and internal cut-off values, a variant classified as benign is not then subjected to further curation. The score for this variant resulted in a classification of benign for this disease.

Breakthrough Genomics
Classification: Benign. Review status: criteria provided, single submitter. Criteria: ACMG Guidelines, 2015. Collection method: not provided. Allele origin: germline. Inheritance: Autosomal recessive inheritance. Affected: yes.